The following is an entry in ClinVar:

ClinVar aggregate classification (germline): Likely benign (1 of 4 stars; one submission).

gnomAD v4.1: 1 of 1,032,230 alleles (0.000097%); highest among the groups gnomAD compares: Non-Finnish European, 0.00012%; no homozygotes.

Submission:

CeGaT Center for Human Genetics Tuebingen
Classification: Likely benign. Last evaluated: 2026-05-01. Review status: criteria provided, single submitter. Criteria: CeGaT Center For Human Genetics Tuebingen Variant Classification Criteria Version 2. Collection method: clinical testing. Allele origin: germline. Affected: yes. Observed: 1 variant allele.
Comment: TCF15: BP4, BP7

NM_004609.4(TCF15):c.99G>C (p.Ala33=)

Gene: TCF15 (transcription factor 15; minus strand). Cytogenetic location: 20p13.
Variant type: single nucleotide variant.
Coding change: c.99G>C on transcript NM_004609.4 (MANE Select); coding-DNA position 99, G replaced by C.
Protein change: p.Ala33=; no amino-acid change (alanine 33 retained).
Molecular consequence: synonymous variant.
Genome position (GRCh38, 1-based): chr20:610,139, C>G on the plus strand (G>C on the coding strand, the complement: TCF15 is on the minus strand). VCF-style: chr20-610139-C-G. GRCh37 (hg19) VCF-style: chr20-590783-C-G.
Identifiers: ClinVar variation 4872825 (VCV004872825.2).